The following is an entry in ClinVar:

ClinVar aggregate classification (germline): Uncertain significance (1 of 4 stars; one submission).

Submission:

Labcorp Genetics (formerly Invitae), Labcorp
Classification: Uncertain significance. Last evaluated: 2025-07-27. Review status: criteria provided, single submitter. Criteria: Invitae Variant Classification Sherloc (09022015). Collection method: clinical testing. Allele origin: germline.
Comment: This sequence change affects the initiator codon of the P2RX2 mRNA. This change may impact translation initiation or efficiency. The next in-frame methionine is located at codon 149. This variant is present in population databases (rs748871543, gnomAD 1.3%). This variant has not been reported in the literature in individuals affected with P2RX2-related conditions. Experimental studies and prediction algorithms are not available or were not evaluated, and the functional significance of this variant is currently unknown. In summary, the available evidence is currently insufficient to determine the role of this variant in disease. Therefore, it has been classified as a Variant of Uncertain Significance.

NM_170682.4(P2RX2):c.-4_44del (p.Met1_Arg15del)

Gene: P2RX2 (purinergic receptor P2X 2; plus strand). Cytogenetic location: 12q24.33.
Variant type: Deletion.
Coding change: c.-4_44del on transcript NM_170682.4 (MANE Select); 4 bases upstream of the start codon through coding-DNA position 44, 48 bases deleted.
Protein change: p.Met1_Arg15del.
Molecular consequence: initiator codon variant.
Genome position (GRCh38, 1-based): chr12:132,618,813-132,618,860, 48 bases deleted; deleting any 48 consecutive bases within chr12:132,618,806-132,618,860 gives the same sequence; the c. name uses the placement nearest the transcript's 3' end. GRCh37 (hg19): chr12:133,195,399-133,195,446.
Other names: c.-4_44del, p.Met1_Arg15del (NM_001282164.2, NM_001282165.2, NM_012226.5 and 4 more transcripts).
Identifiers: ClinVar variation 4764037 (VCV004764037.1).